The following is an entry in ClinVar:

NM_001374736.1(DST):c.21364A>G (p.Ile7122Val)

Gene: DST (dystonin; minus strand). Cytogenetic location: 6p12.1.
Variant type: single nucleotide variant.
Coding change: c.21364A>G on transcript NM_001374736.1 (MANE Select); coding-DNA position 21364, A replaced by G.
Protein change: p.Ile7122Val; replaces isoleucine 7122 with valine.
Molecular consequence: missense variant.
Genome position (GRCh38, 1-based): chr6:56,482,721, T>C on the plus strand (A>G on the coding strand, the complement: DST is on the minus strand). VCF-style: chr6-56482721-T-C. GRCh37 (hg19) VCF-style: chr6-56347519-T-C.
Other names: c.15007A>G, p.Ile5003Val (NM_001144769.5); c.14593A>G, p.Ile4865Val (NM_001144770.2); c.21364A>G, p.Ile7122Val (NM_001374722.1); c.20404A>G, p.Ile6802Val (NM_001374729.1); c.14146A>G, p.Ile4716Val (NM_001374730.1); c.21391A>G, p.Ile7131Val (NM_001374734.1); c.13495A>G, p.Ile4499Val (NM_015548.5); c.14473A>G, p.Ile4825Val (NM_183380.4); short protein forms I6802V, I4499V, I4865V, I5003V, I4825V, I4716V, I7122V, I7131V.
Identifiers: ClinVar variation 968111 (VCV000968111.8), dbSNP rs201703299, ClinGen allele CA3866526.

ClinVar aggregate classification (germline): Conflicting classifications of pathogenicity. Review status: criteria provided, conflicting classifications (1 of 4 stars). 3 submissions from 3 submitters: Uncertain significance (2); Likely benign (1). Last evaluated 2025-07-16.

Conditions:
Inborn genetic diseases. Identifiers: MedGen C0950123, MeSH D030342.
Epidermolysis bullosa simplex 3, localized or generalized intermediate, with BP230 deficiency (EBS3). Also called: Epidermolysis bullosa simplex, autosomal recessive 2; Epidermolysis bullosa simplex due to BP230 deficiency. Identifiers: Orphanet 412181, MedGen C3809470, MONDO:0014180, OMIM 615425.
Hereditary sensory and autonomic neuropathy type 6. Also called: HSAN VI; Neuropathy, hereditary sensory and autonomic, type VI. Identifiers: Orphanet 314381, MedGen C3539003, MONDO:0013839, OMIM 614653.
DST-related disorder. Also called: DST-related condition; DST-related disorders.

Allele frequency attached by ClinVar (database versions not stated): gnomAD exomes 0.00003 and 0.00012; ExAC 0.00015; ESP Exome Variant Server 0.00041; gnomAD 0.00042 and 0.00047; TOPMed 0.00042.
gnomAD v4.1: 117 of 1,613,894 alleles (0.0072%); highest among the groups gnomAD compares: African/African-American, 0.13%; no homozygotes.

Submissions (3):

PreventionGenetics, part of Exact Sciences
Classification: Likely benign for DST-related condition. Last evaluated: 2025-07-16. Review status: criteria provided, single submitter. Criteria: ACMG Guidelines, 2015. Collection method: clinical testing. Allele origin: germline.
Comment: This variant is classified as likely benign based on ACMG/AMP sequence variant interpretation guidelines (Richards et al. 2015 PMID: 25741868, with internal and published modifications).

Labcorp Genetics (formerly Invitae), Labcorp
Classification: Uncertain significance for Epidermolysis bullosa simplex 3, localized or generalized intermediate, with BP230 deficiency; Hereditary sensory and autonomic neuropathy type 6. Last evaluated: 2022-06-27. Review status: criteria provided, single submitter. Criteria: Invitae Variant Classification Sherloc (09022015). Collection method: clinical testing. Allele origin: germline.
Comment: The DST gene has multiple clinically relevant transcripts. This variant occurs in alternate transcript NM_015548.4, and corresponds to NM_001723.5:c.*132796A>G in the primary transcript. This sequence change replaces isoleucine, which is neutral and non-polar, with valine, which is neutral and non-polar, at codon 4499 of the DST protein (p.Ile4499Val). This variant is present in population databases (rs201703299, gnomAD 0.2%). This variant has not been reported in the literature in individuals affected with DST-related conditions. ClinVar contains an entry for this variant (Variation ID: 968111). Algorithms developed to predict the effect of missense changes on protein structure and function output the following: SIFT: "Not Available"; PolyPhen-2: "Not Available"; Align-GVGD: "Not Available". The valine amino acid residue is found in multiple mammalian species, which suggests that this missense change does not adversely affect protein function. In summary, the available evidence is currently insufficient to determine the role of this variant in disease. Therefore, it has been classified as a Variant of Uncertain Significance.

Ambry Genetics
Classification: Uncertain significance for Inborn genetic diseases. Last evaluated: 2019-11-11. Review status: criteria provided, single submitter. Criteria: Ambry Variant Classification Scheme 2023. Collection method: clinical testing. Allele origin: germline.
Comment: The p.I5003V variant (also known as c.15007A>G), located in coding exon 83 of the DST gene, results from an A to G substitution at nucleotide position 15007. The isoleucine at codon 5003 is replaced by valine, an amino acid with highly similar properties. This amino acid position is not well conserved in available vertebrate species, and valine is the reference amino acid in other vertebrate species. In addition, this alteration is predicted to be tolerated by in silico analysis. Since supporting evidence is limited at this time, the clinical significance of this alteration remains unclear.